The following is an entry in ClinVar:

ClinVar aggregate classification (germline): Uncertain significance. Review status: criteria provided, multiple submitters, no conflicts (2 of 4 stars). 8 submissions from 8 submitters: Uncertain significance (8). Last evaluated 2025-09-09.

Conditions:
Bone marrow failure syndrome 3 (BMFS3). Identifiers: MedGen C4310744, MONDO:0014887, OMIM 617052.
Shwachman-Diamond syndrome 1 (SDS1). Also called: LIPOMATOSIS OF PANCREAS, CONGENITAL. Identifiers: MedGen C4692625, MONDO:0044204, OMIM 260400.
Inborn genetic diseases. Identifiers: MedGen C0950123, MeSH D030342.
DNAJC21-related disorder. Also called: DNAJC21-related condition.

Allele frequency attached by ClinVar (database versions not stated): gnomAD exomes 0.00032; ExAC 0.00056; 1000 Genomes Project 0.00080; 1000 Genomes Project 30x 0.00094; ESP Exome Variant Server 0.00123; gnomAD 0.00143 and 0.00144; TOPMed 0.00164.
gnomAD v4.1: 405 of 1,612,044 alleles (0.025%); highest among the groups gnomAD compares: African/African-American, 0.46%; no homozygotes.

Submissions (8):

PreventionGenetics, part of Exact Sciences
Classification: Uncertain significance for DNAJC21-related condition. Last evaluated: 2025-09-09. Review status: criteria provided, single submitter. Criteria: ACMG Guidelines, 2015. Collection method: clinical testing. Allele origin: germline.
Comment: The DNAJC21 c.1282G>A variant is predicted to result in the amino acid substitution p.Glu428Lys. To our knowledge, this variant has not been reported in the literature. This variant is reported in 0.46% of alleles in individuals of African descent in gnomAD. Although we suspect that this variant may be benign, at this time, the clinical significance of this variant is uncertain due to the absence of conclusive functional and genetic evidence.

Blueprint Genetics
Classification: Uncertain significance. Last evaluated: 2024-09-23. Review status: criteria provided, single submitter. Criteria: ACMG Guidelines, 2015. Collection method: clinical testing. Allele origin: germline.

Ambry Genetics
Classification: Uncertain significance for Inborn genetic diseases. Last evaluated: 2024-09-10. Review status: criteria provided, single submitter. Criteria: Ambry Variant Classification Scheme 2023. Collection method: clinical testing. Allele origin: germline.

GeneDx
Classification: Uncertain significance. Last evaluated: 2023-05-13. Review status: criteria provided, single submitter. Criteria: GeneDx Variant Classification Process June 2021. Collection method: clinical testing. Allele origin: germline. Affected: yes.
Comment: In silico analysis supports that this variant does not alter splicing; Has not been previously published as pathogenic or benign to our knowledge

Laboratorio de Genetica e Diagnostico Molecular, Hospital Israelita Albert Einstein
Classification: Uncertain significance for Bone marrow failure syndrome 3. Last evaluated: 2022-08-26. Review status: criteria provided, single submitter. Criteria: ACMG Guidelines, 2015. Collection method: clinical testing. Allele origin: germline. Affected: yes. Observed: 1 variant allele.
Comment: ACMG classification criteria: PM2 moderated, BP4 supporting

Fulgent Genetics
Classification: Uncertain significance for Shwachman-Diamond syndrome 1; Bone marrow failure syndrome 3. Last evaluated: 2021-10-27. Review status: criteria provided, single submitter. Criteria: ACMG Guidelines, 2015. Collection method: clinical testing. Allele origin: unknown.

Genetic Services Laboratory, University of Chicago
Classification: Uncertain significance. Last evaluated: 2019-10-11. Review status: criteria provided, single submitter. Criteria: ACMG Guidelines, 2015. Collection method: clinical testing. Allele origin: germline. Affected: no.

Breakthrough Genomics
Classification: Uncertain significance. Review status: criteria provided, single submitter. Criteria: ACMG Guidelines, 2015. Collection method: not provided. Allele origin: germline. Inheritance: Autosomal recessive inheritance. Affected: yes.

NM_001012339.3(DNAJC21):c.1186-531G>A

Gene: DNAJC21 (DnaJ heat shock protein family (Hsp40) member C21; plus strand). Cytogenetic location: 5p13.2.
Variant type: single nucleotide variant.
Coding change: c.1186-531G>A on transcript NM_001012339.3 (MANE Select); 531 bases into the intron before coding-DNA position 1186, G replaced by A.
Molecular consequence: intron variant. On other transcripts: missense variant (1).
Genome position (GRCh38, 1-based): chr5:34,949,639, G>A. VCF-style: chr5-34949639-G-A. GRCh37 (hg19) VCF-style: chr5-34949744-G-A.
Other names: c.1282G>A, p.Glu428Lys (NM_194283.4); c.1225-531G>A (NM_001348420.2); short protein forms E428K.
Identifiers: ClinVar variation 1336969 (VCV001336969.11), dbSNP rs112971776, ClinGen allele CA3228769.